The following is an entry in ClinVar:

ClinVar aggregate classification (germline): Conflicting classifications of pathogenicity. Review status: criteria provided, conflicting classifications (1 of 4 stars). 6 submissions from 5 submitters: Uncertain significance (4); Likely benign (1). 1 of the submissions does not count toward it. Last evaluated 2026-05-01.

Conditions:
Seckel syndrome 4 (SCKL4). Identifiers: Orphanet 808, MedGen C3888212, MONDO:0013358, OMIM 613676.
Microcephaly 6, primary, autosomal recessive. Identifiers: Orphanet 2512, MedGen C1842109, MONDO:0012029, OMIM 608393.

Allele frequency attached by ClinVar (database versions not stated): TOPMed 0.00014; 1000 Genomes Project 30x 0.00016; gnomAD exomes 0.00016; ExAC 0.00018; 1000 Genomes Project 0.00020; gnomAD 0.00025; ESP Exome Variant Server 0.00031.
gnomAD v4.1: 407 of 1,610,744 alleles (0.025%); highest among the groups gnomAD compares: Non-Finnish European, 0.028%; no homozygotes.

Submissions (6):

CeGaT Center for Human Genetics Tuebingen
Classification: Likely benign. Last evaluated: 2026-05-01. Review status: criteria provided, single submitter. Criteria: CeGaT Center For Human Genetics Tuebingen Variant Classification Criteria Version 2. Collection method: clinical testing. Allele origin: germline. Affected: yes. Observed: 2 variant alleles.
Comment: CPAP: BP4

Labcorp Genetics (formerly Invitae), Labcorp
Classification: Uncertain significance. Last evaluated: 2024-10-07. Review status: criteria provided, single submitter. Criteria: Invitae Variant Classification Sherloc (09022015). Collection method: clinical testing. Allele origin: germline.
Comment: This sequence change replaces asparagine, which is neutral and polar, with serine, which is neutral and polar, at codon 1102 of the CENPJ protein (p.Asn1102Ser). This variant is present in population databases (rs41300592, gnomAD 0.05%). This variant has not been reported in the literature in individuals affected with CENPJ-related conditions. ClinVar contains an entry for this variant (Variation ID: 21664). Invitae Evidence Modeling of protein sequence and biophysical properties (such as structural, functional, and spatial information, amino acid conservation, physicochemical variation, residue mobility, and thermodynamic stability) indicates that this missense variant is not expected to disrupt CENPJ protein function with a negative predictive value of 80%. In summary, the available evidence is currently insufficient to determine the role of this variant in disease. Therefore, it has been classified as a Variant of Uncertain Significance.

GeneDx
Classification: Uncertain significance. Last evaluated: 2022-04-06. Review status: criteria provided, single submitter. Criteria: GeneDx Variant Classification Process June 2021. Collection method: clinical testing. Allele origin: germline. Affected: yes.
Comment: In silico analysis supports that this missense variant does not alter protein structure/function; In-silico analysis is inconclusive as to whether the variant alters gene splicing. In the absence of RNA/functional studies, the actual effect of this sequence change is unknown.; Has not been previously published as pathogenic or benign to our knowledge

Illumina Laboratory Services, Illumina
Classification: Uncertain significance for Microcephaly 6, primary, autosomal recessive. Last evaluated: 2018-01-13. Review status: criteria provided, single submitter. Criteria: ICSL Variant Classification Criteria 13 December 2019. Collection method: clinical testing. Allele origin: germline.

Illumina Laboratory Services, Illumina
Classification: Uncertain significance for Seckel syndrome 4. Last evaluated: 2018-01-13. Review status: criteria provided, single submitter. Criteria: ICSL Variant Classification Criteria 13 December 2019. Collection method: clinical testing. Allele origin: germline.

GeneReviews
No classification provided. Condition: Microcephaly 6, primary, autosomal recessive. Review status: no classification provided. Collection method: literature only. Allele origin: unknown. Not counted in ClinVar's aggregate classification.

Literature cited by the submitters: PubMed 20301772 (cited by GeneReviews); NCBI Bookshelf NBK9587 (cited by GeneReviews).

NM_018451.5(CPAP):c.3305A>G (p.Asn1102Ser)

Genes: CPAP (centrosome assembly and centriole elongation protein; minus strand), RNF17 (ring finger protein 17; plus strand). Cytogenetic location: 13q12.12.
Variant type: single nucleotide variant.
Coding change: c.3305A>G on transcript NM_018451.5 (MANE Select); coding-DNA position 3305, A replaced by G.
Protein change: p.Asn1102Ser; replaces asparagine 1102 with serine.
Molecular consequence: missense variant. On other transcripts: non-coding transcript variant (2).
Genome position (GRCh38, 1-based): chr13:24,885,667, T>C on the plus strand (A>G on the coding strand, the complement: CPAP is on the minus strand). VCF-style: chr13-24885667-T-C. GRCh37 (hg19) VCF-style: chr13-25459805-T-C.
Other names: short protein forms N1102S.
Identifiers: ClinVar variation 21664 (VCV000021664.43), dbSNP rs41300592, ClinGen allele CA342346.